The following is an entry in ClinVar:

ClinVar aggregate classification (germline): Uncertain significance. Review status: criteria provided, multiple submitters, no conflicts (2 of 4 stars). 2 submissions from 2 submitters: Uncertain significance (2). Last evaluated 2025-12-24.

Conditions:
Hereditary cancer-predisposing syndrome. Also called: Tumor predisposition; Neoplastic Syndromes, Hereditary; Hereditary Cancer Syndrome; Hereditary neoplastic syndrome. Identifiers: Orphanet 140162, MedGen C0027672, MeSH D009386, MONDO:0015356.
Multiple endocrine neoplasia, type 2 (MEN2). Identifiers: Orphanet 653, MedGen C4048306, MONDO:0019003. Disease mechanism: gain of function.

Submissions (2):

Ambry Genetics
Classification: Uncertain significance for Hereditary cancer-predisposing syndrome. Last evaluated: 2025-12-24. Review status: criteria provided, single submitter. Criteria: Ambry Variant Classification Scheme 2023. Collection method: clinical testing. Allele origin: germline.
Comment: The p.P715A variant (also known as c.2143C>G), located in coding exon 12 of the RET gene, results from a C to G substitution at nucleotide position 2143. The proline at codon 715 is replaced by alanine, an amino acid with highly similar properties. This amino acid position is conserved. In addition, this alteration is predicted to be deleterious by in silico analysis. Based on the available evidence, the clinical significance of this variant remains unclear.

Labcorp Genetics (formerly Invitae), Labcorp
Classification: Uncertain significance for Multiple endocrine neoplasia, type 2. Last evaluated: 2023-11-06. Review status: criteria provided, single submitter. Criteria: Invitae Variant Classification Sherloc (09022015). Collection method: clinical testing. Allele origin: germline.
Comment: This sequence change replaces proline, which is neutral and non-polar, with alanine, which is neutral and non-polar, at codon 715 of the RET protein (p.Pro715Ala). This variant is not present in population databases (gnomAD no frequency). This variant has not been reported in the literature in individuals affected with RET-related conditions. An algorithm developed to predict the effect of missense changes on protein structure and function (PolyPhen-2) suggests that this variant is likely to be tolerated. In summary, the available evidence is currently insufficient to determine the role of this variant in disease. Therefore, it has been classified as a Variant of Uncertain Significance.

NM_020975.6(RET):c.2143C>G (p.Pro715Ala)

Gene: RET (ret proto-oncogene; plus strand). Cytogenetic location: 10q11.21.
Variant type: single nucleotide variant.
Coding change: c.2143C>G on transcript NM_020975.6 (MANE Select); coding-DNA position 2143, C replaced by G.
Protein change: p.Pro715Ala; replaces proline 715 with alanine.
Molecular consequence: missense variant.
Genome position (GRCh38, 1-based): chr10:43,116,590, C>G. VCF-style: chr10-43116590-C-G. GRCh37 (hg19) VCF-style: chr10-43612038-C-G.
Other names: c.958C>G, p.Pro320Ala (NM_001406790.1, NM_001406788.1, NM_001406789.1); c.838C>G, p.Pro280Ala (NM_001406791.1); c.694C>G, p.Pro232Ala (NM_001406792.1, NM_001406793.1, NM_001406794.1); c.2143C>G, p.Pro715Ala (NM_020629.2, NM_020630.7, NM_000323.2 and 4 more transcripts); c.1246C>G, p.Pro416Ala (NM_001406779.1, NM_001406780.1, NM_001406781.1 and 1 more transcripts); c.1117C>G, p.Pro373Ala (NM_001406783.1, NM_001406786.1); c.1153C>G, p.Pro385Ala (NM_001406784.1); c.1126C>G, p.Pro376Ala (NM_001406785.1); and 10 more; short protein forms P232A, P540A, P569A, P627A, P672A, P320A, P376A, P473A.
Identifiers: ClinVar variation 2833076 (VCV002833076.4), dbSNP rs1838075429, ClinGen allele CA376554145.
Genomic context (GRCh38, chr10:43,116,590, plus strand): 5'-GTCATCCTCACACTTTTCCCCCCTCTTCTCCCCCTTCCCTCATTTCCAACATAGGAGGAT[C>G]CAAAGTGGGAATTCCCTCGGAAGAACTTGGTTCTTGGAAAAACTCTAGGAGAAGGCGAAT-3'
Protein context (NP_066124.1, residues 705-725): SVDAFKILED[Pro715Ala]KWEFPRKNLV